The following is an entry in ClinVar:

NM_199420.4(POLQ):c.3930C>G (p.Asp1310Glu)

Gene: POLQ (DNA polymerase theta; minus strand). Cytogenetic location: 3q13.33.
Variant type: single nucleotide variant.
Coding change: c.3930C>G on transcript NM_199420.4 (MANE Select); coding-DNA position 3930, C replaced by G.
Protein change: p.Asp1310Glu; replaces aspartic acid 1310 with glutamic acid.
Molecular consequence: missense variant.
Genome position (GRCh38, 1-based): chr3:121,489,001, G>C on the plus strand (C>G on the coding strand, the complement: POLQ is on the minus strand). VCF-style: chr3-121489001-G-C. GRCh37 (hg19) VCF-style: chr3-121207848-G-C.
Other names: short protein forms D1310E.
Identifiers: ClinVar variation 2624445 (VCV002624445.2), dbSNP rs2546786669, ClinGen allele CA354096616.

ClinVar aggregate classification (germline): Uncertain significance (1 of 4 stars; one submission).

Allele frequency attached by ClinVar (database versions not stated): gnomAD exomes 0.00001.
gnomAD v4.1: 4 of 1,612,768 alleles (0.00025%); highest among the groups gnomAD compares: Middle Eastern, 0.016%; no homozygotes.

Submission:

Ambry Genetics
Classification: Uncertain significance. Last evaluated: 2023-07-04. Review status: criteria provided, single submitter. Criteria: Ambry Variant Classification Scheme 2023. Collection method: clinical testing. Allele origin: germline.
Comment: The p.D1310E variant (also known as c.3930C>G), located in coding exon 16 of the POLQ gene, results from a C to G substitution at nucleotide position 3930. The aspartic acid at codon 1310 is replaced by glutamic acid, an amino acid with highly similar properties. This amino acid position is conserved. In addition, this alteration is predicted to be tolerated by in silico analysis. Since supporting evidence is limited at this time, the clinical significance of this alteration remains unclear.